The following is an entry in ClinVar:

ClinVar aggregate classification (germline): Uncertain significance (1 of 4 stars; one submission).

Conditions:
Bethlem myopathy 1A. Also called: Bethlem Muscular Dystrophy; Bethlem myopathy 1; MYOPATHY, BENIGN CONGENITAL, WITH CONTRACTURES. Identifiers: Orphanet 610, MedGen CN029274, MONDO:0024530, OMIM 158810.

Submission:

Labcorp Genetics (formerly Invitae), Labcorp
Classification: Uncertain significance for Bethlem myopathy 1A. Last evaluated: 2018-12-05. Review status: criteria provided, single submitter. Criteria: Invitae Variant Classification Sherloc (09022015). Collection method: clinical testing. Allele origin: germline.
Comment: In summary, the available evidence is currently insufficient to determine the role of this variant in disease. Therefore, it has been classified as a Variant of Uncertain Significance. This variant has not been reported in the literature in individuals with COL6A3-related conditions. Algorithms developed to predict the effect of missense changes on protein structure and function are either unavailable or do not agree on the potential impact of this missense change (SIFT: "Deleterious"; PolyPhen-2: "Probably Damaging"; Align-GVGD: "Class C0"). This variant is not present in population databases (ExAC no frequency). This sequence change replaces glutamic acid with glutamine at codon 2244 of the COL6A3 protein (p.Glu2244Gln). The glutamic acid residue is highly conserved and there is a small physicochemical difference between glutamic acid and glutamine.

NM_004369.4(COL6A3):c.6730G>C (p.Glu2244Gln)

Gene: COL6A3 (collagen type VI alpha 3 chain; minus strand). Cytogenetic location: 2q37.3.
Variant type: single nucleotide variant.
Coding change: c.6730G>C on transcript NM_004369.4 (MANE Select); coding-DNA position 6730, G replaced by C.
Protein change: p.Glu2244Gln; replaces glutamic acid 2244 with glutamine.
Molecular consequence: missense variant.
Genome position (GRCh38, 1-based): chr2:237,352,545, C>G on the plus strand (G>C on the coding strand, the complement: COL6A3 is on the minus strand). VCF-style: chr2-237352545-C-G. GRCh37 (hg19) VCF-style: chr2-238261188-C-G.
Other names: c.4909G>C, p.Glu1637Gln (NM_057166.5); c.6112G>C, p.Glu2038Gln (NM_057167.4); short protein forms E2244Q, E2038Q, E1637Q.
Identifiers: ClinVar variation 655244 (VCV000655244.9), dbSNP rs753307921, ClinGen allele CA351211741.
Genomic context (GRCh38, chr2:237,352,545, plus strand): 5'-TCAGCTAGAGAGGGGGCTGGTATTAGGACAGGCTTACCCGAGGTCCAGAAATGCCTTGTT[C>G]TCCTATCAGCCCTGGAGGACCAGCAGGACCAGCTGGGCCCTGAGGAAGGAAAAGACCATC-3'
Protein context (NP_004360.2, residues 2234-2254): GPAGPPGLIG[Glu2244Gln]QGISGPRGSG